The following is an entry in ClinVar:

ClinVar aggregate classification (germline): Uncertain significance (1 of 4 stars; one submission).

Conditions:
Paroxysmal nonkinesigenic dyskinesia. Also called: Paroxysmal non-kinesigenic dyskinesia. Identifiers: Orphanet 98810, MedGen C1869117, MONDO:0700088.

gnomAD v4.1: 12 of 1,611,964 alleles (0.00074%); highest among the groups gnomAD compares: Non-Finnish European, 0.001%; no homozygotes.

Submission:

Labcorp Genetics (formerly Invitae), Labcorp
Classification: Uncertain significance for Paroxysmal nonkinesigenic dyskinesia. Last evaluated: 2025-07-06. Review status: criteria provided, single submitter. Criteria: Invitae Variant Classification Sherloc (09022015). Collection method: clinical testing. Allele origin: germline.
Comment: This sequence change replaces lysine, which is basic and polar, with arginine, which is basic and polar, at codon 385 of the PNKD protein (p.Lys385Arg). This variant is present in population databases (rs776190115, gnomAD 0.0009%). This variant has not been reported in the literature in individuals affected with PNKD-related conditions. An algorithm developed to predict the effect of missense changes on protein structure and function (PolyPhen-2) suggests that this variant is likely to be tolerated. Algorithms developed to predict the effect of sequence changes on RNA splicing suggest that this variant may create or strengthen a splice site. In summary, the available evidence is currently insufficient to determine the role of this variant in disease. Therefore, it has been classified as a Variant of Uncertain Significance.

NM_015488.5(PNKD):c.1154A>G (p.Lys385Arg)

Genes: CATIP-AS2 (CATIP antisense RNA 2; minus strand), PNKD (PNKD metallo-beta-lactamase domain containing; plus strand). Cytogenetic location: 2q35.
Variant type: single nucleotide variant.
Coding change: c.1154A>G on transcript NM_015488.5 (MANE Select); coding-DNA position 1154, A replaced by G.
Protein change: p.Lys385Arg; replaces lysine 385 with arginine.
Molecular consequence: missense variant.
Genome position (GRCh38, 1-based): chr2:218,344,977, A>G. VCF-style: chr2-218344977-A-G. GRCh37 (hg19) VCF-style: chr2-219209700-A-G.
Other names: c.1082A>G, p.Lys361Arg (NM_022572.5); short protein forms K385R, K361R.
Identifiers: ClinVar variation 4739970 (VCV004739970.1).